The following is an entry in ClinVar:

NM_000153.4(GALC):c.264+1G>A

Gene: GALC (galactosylceramidase; minus strand). Cytogenetic location: 14q31.3.
Variant type: single nucleotide variant.
Coding change: c.264+1G>A on transcript NM_000153.4 (MANE Select); the canonical splice donor site of the intron after coding-DNA position 264, G replaced by A.
Molecular consequence: splice donor variant. On other transcripts: intron variant (1).
Genome position (GRCh38, 1-based): chr14:87,988,454, C>T on the plus strand (G>A on the coding strand, the complement: GALC is on the minus strand). VCF-style: chr14-87988454-C-T. GRCh37 (hg19) VCF-style: chr14-88454798-C-T.
Other names: c.186+1G>A (NM_001201402.2); c.196-247G>A (NM_001201401.2).
Identifiers: ClinVar variation 847755 (VCV000847755.13), dbSNP rs1458925593, ClinGen allele CA390753311.

ClinVar aggregate classification (germline): Conflicting classifications of pathogenicity. Review status: criteria provided, conflicting classifications (1 of 4 stars). 4 submissions from 4 submitters: Likely pathogenic (2); Uncertain significance (1). 1 of the submissions does not count toward it. Last evaluated 2026-01-26.

Conditions:
Galactosylceramide beta-galactosidase deficiency. Also called: Leukodystrophy, Globoid Cell; GALACTOCEREBROSIDASE DEFICIENCY; GALC DEFICIENCY; GLOBOID CELL LEUKOENCEPHALOPATHY; Krabbe Disease. Identifiers: Orphanet 487, MedGen C0023521, MONDO:0009499, OMIM 245200.

Allele frequency attached by ClinVar (database versions not stated): gnomAD exomes below 0.00001; TOPMed below 0.00001.

Submissions (4):

Labcorp Genetics (formerly Invitae), Labcorp
Classification: Likely pathogenic for Galactosylceramide beta-galactosidase deficiency. Last evaluated: 2026-01-26. Review status: criteria provided, single submitter. Criteria: Invitae Variant Classification Sherloc (09022015). Collection method: clinical testing. Allele origin: germline.
Comment: This sequence change affects a donor splice site in intron 2 of the GALC gene. It is expected to disrupt RNA splicing. Variants that disrupt the donor or acceptor splice site typically lead to a loss of protein function (PMID: 16199547), and loss-of-function variants in GALC are known to be pathogenic (PMID: 7437911, 9272171, 16607461). This variant is present in population databases (no rsID available, gnomAD 0.0009%). This variant has not been reported in the literature in individuals affected with GALC-related conditions. ClinVar contains an entry for this variant (Variation ID: 847755). Algorithms developed to predict the effect of sequence changes on RNA splicing suggest that this variant may disrupt the consensus splice site. In summary, the currently available evidence indicates that the variant is pathogenic, but additional data are needed to prove that conclusively. Therefore, this variant has been classified as Likely Pathogenic.

Myriad Genetics, Inc.
Classification: Uncertain significance for Galactosylceramide beta-galactosidase deficiency. Last evaluated: 2025-11-21. Review status: criteria provided, single submitter. Criteria: Myriad Autosomal Dominant, Autosomal Recessive and X-Linked Classification Criteria (2023). Collection method: clinical testing. Allele origin: unknown.
Comment: NM_000153.3(GALC):c.264+1G>A is a variant in a canonical splice site classified as a variant of uncertain significance in the context of Krabbe disease. c.264+1G>A has not been observed in cases with relevant disease. Relevant functional assessments of this variant are not available in the literature. c.264+1G>A has been observed in referenced population frequency databases. In summary, there is insufficient evidence to classify NM_000153.3(GALC):c.264+1G>A as pathogenic or benign. Please note: this variant was assessed in the context of healthy population screening.

GeneDx
Classification: Likely pathogenic. Last evaluated: 2024-11-14. Review status: criteria provided, single submitter. Criteria: GeneDx Variant Classification Process June 2021. Collection method: clinical testing. Allele origin: germline. Affected: yes.
Comment: Canonical splice site variant predicted to result in an in-frame loss of the adjacent exon in a gene for which loss of function is a known mechanism of disease; Not observed at significant frequency in large population cohorts (gnomAD); Has not been previously published as pathogenic or benign to our knowledge

Natera, Inc.
Classification: Likely pathogenic for Galactosylceramide beta-galactosidase deficiency. Last evaluated: 2021-07-06. Review status: no assertion criteria provided. Collection method: clinical testing. Allele origin: germline. Not counted in ClinVar's aggregate classification.

Literature cited by the submitters: PubMed 16199547 (cited by Labcorp Genetics (formerly Invitae), Labcorp); PubMed 7437911 (cited by Labcorp Genetics (formerly Invitae), Labcorp); PubMed 9272171 (cited by Labcorp Genetics (formerly Invitae), Labcorp); PubMed 16607461 (cited by Labcorp Genetics (formerly Invitae), Labcorp).